The following is an entry in ClinVar:

NM_022124.6(CDH23):c.6442G>A (p.Asp2148Asn)

Gene: CDH23 (cadherin related 23; plus strand). Cytogenetic location: 10q22.1.
Variant type: single nucleotide variant.
Coding change: c.6442G>A on transcript NM_022124.6 (MANE Select); coding-DNA position 6442, G replaced by A.
Protein change: p.Asp2148Asn; replaces aspartic acid 2148 with asparagine.
Molecular consequence: missense variant.
Genome position (GRCh38, 1-based): chr10:71,793,370, G>A. VCF-style: chr10-71793370-G-A. GRCh37 (hg19) VCF-style: chr10-73553127-G-A.
Other names: short protein forms D2148N.
Identifiers: ClinVar variation 4922 (VCV000004922.71), dbSNP rs111033271, ClinGen allele CA253332.

ClinVar aggregate classification (germline): Pathogenic/Likely pathogenic. Review status: criteria provided, multiple submitters, no conflicts (2 of 4 stars). 18 submissions from 18 submitters: Pathogenic (13); Likely pathogenic (4). 1 of the submissions does not count toward it. Last evaluated 2026-09-08.

Conditions:
Monogenic hearing loss.
CDH23-related disorder. Also called: CDH23-related condition; CDH23-related disorders.
Pituitary adenoma 5, multiple types. Identifiers: MedGen C4539685, MONDO:0054601, OMIM 617540.
Usher syndrome type 1D (USH1D). Also called: USHER SYNDROME, TYPE ID. Identifiers: Orphanet 231169, Orphanet 886, MedGen C1832845, MONDO:0010984, OMIM 601067.
Autosomal recessive nonsyndromic hearing loss 12. Also called: DEAFNESS, AUTOSOMAL RECESSIVE 12. Identifiers: Orphanet 90636, MedGen C1832394, MONDO:0011067, OMIM 601386.
Usher syndrome. Also called: Usher's syndrome; Usher Syndromes. Identifiers: Orphanet 886, MedGen CN469326, MeSH D052245, MONDO:0019501. Disease mechanism: loss of function.
Usher syndrome type 2A. Also called: RETINAL DISEASE IN USHER SYNDROME TYPE IIA, MODIFIER OF; USHER SYNDROME, TYPE IIA. Identifiers: Orphanet 231178, Orphanet 886, MedGen C1848634, MONDO:0010169, OMIM 276901.
Rare genetic deafness. Identifiers: Orphanet 96210, MedGen C5680250.
Retinal dystrophy. Also called: Inherited retinal dystrophy. Identifiers: Orphanet 71862, MedGen C0854723, MeSH D058499, MONDO:0019118, HP:0000556.
Usher syndrome type 1 (USH1). Also called: RETINITIS PIGMENTOSA AND CONGENITAL DEAFNESS. Identifiers: Orphanet 231169, Orphanet 886, MedGen C1568247, MONDO:0010168, OMIM 276900.

Allele frequency attached by ClinVar (database versions not stated): ExAC 0.00009; gnomAD 0.00009 and 0.00010; gnomAD exomes 0.00009; TOPMed 0.00009.
gnomAD v4.1: 145 of 1,613,806 alleles (0.009%); highest among the groups gnomAD compares: Non-Finnish European, 0.012%; no homozygotes.

Submissions 1 to 10 of 18:

PreventionGenetics, part of Exact Sciences
Classification: Pathogenic for CDH23-related condition. Last evaluated: 2026-09-08. Review status: criteria provided, single submitter. Criteria: ACMG Guidelines, 2015. Collection method: clinical testing. Allele origin: germline.
Comment: The CDH23 c.6442G>A variant is predicted to result in the amino acid substitution p.Asp2148Asn. This variant has been reported in the homozygous and compound heterozygous state in multiple individuals with non-syndromic autosomal recessive deafness and Usher syndrome and segregated with disease in at least two families (Astuto et al. 2002. PubMed ID: 12075507; De Brouwer et al. 2003. PubMed ID: 12522556; Schultz et al. 2011. PubMed ID: 21940737; Bonnet et al. 2016. PubMed ID: 27460420; Li et al. 2021. PubMed ID: 33724713). This variant is reported in 0.019% of alleles in individuals of European (Non-Finnish) descent in gnomAD. This variant is interpreted as pathogenic.

Genetics Laboratory, Great Ormond Street Hospital NHS Foundation Trust, North Thames Genomic Laboratory Hub
Classification: Pathogenic for Monogenic hearing loss. Last evaluated: 2026-02-02. Review status: criteria provided, single submitter. Criteria: ACGS Best Practice Guidelines for Variant Classification in Rare Disease 2024 v1.2. Collection method: clinical testing. Allele origin: germline. Affected: yes.
Comment: PM2_supporting, PP3_supporting, PP1_strong, PM3_very-strong

Natera, Inc.
Classification: Pathogenic for Usher syndrome type 1. Last evaluated: 2026-01-15. Review status: criteria provided, single submitter. Criteria: Natera Variant Classification Schema (03/2026). Collection method: clinical testing. Allele origin: germline.
Comment: The c.6442G>A variant in CDH23 is a missense variant predicted to cause substitution of aspartic acid to asparagine at amino acid 2148. This variant is rare in the general population with a frequency below the threshold expected for the associated phenotype(s). This variant has been observed in one or more individuals affected with the associated recessive disease, as either homozygous or compound heterozygous with a second variant (PMID: 27460420, 21940737, 33724713, 39271758). Additionally, this variant has been observed to segregate in affected family members (PMID: 21940737). Computational prediction algorithms indicate this variant is likely to affect gene or protein function. Given the available evidence, this variant is classified as Pathogenic.

3billion
Classification: Likely pathogenic for CDH23-related disorder. Last evaluated: 2025-12-21. Review status: criteria provided, single submitter. Criteria: ACMG Guidelines, 2015. Collection method: clinical testing. Allele origin: germline. Affected: yes.
Comment: The variant is observed at an extremely low frequency in the gnomAD v4.1.0 dataset (total allele frequency: 0.009%). Predicted Consequence/Location: Missense variant In silico tool predictions suggest damaging effect of the variant on gene or gene product [REVEL: 0.73 (>=0.6, sensitivity 0.68 and specificity 0.92); 3Cnet: 0.79 (> 0.75, sensitivity 0.96 and precision 0.92)]. The same nucleotide change resulting in the same amino acid change has been previously reported as pathogenic/likely pathogenic with strong evidence (ClinVar ID: VCV000004922 /PMID: 12075507 /3billion dataset). Therefore, this variant is classified as Likely pathogenic according to the recommendation of ACMG/AMP guideline.

Labcorp Genetics (formerly Invitae), Labcorp
Classification: Pathogenic. Last evaluated: 2025-12-17. Review status: criteria provided, single submitter. Criteria: Invitae Variant Classification Sherloc (09022015). Collection method: clinical testing. Allele origin: germline.
Comment: This sequence change replaces aspartic acid, which is acidic and polar, with asparagine, which is neutral and polar, at codon 2148 of the CDH23 protein (p.Asp2148Asn). This variant is present in population databases (rs111033271, gnomAD 0.02%). This missense change has been observed in individual(s) with autosomal recessive deafness and/or Usher syndrome (PMID: 12075507, 12522556, 21940737, 27460420). In at least one individual the data is consistent with being in trans (on the opposite chromosome) from a pathogenic variant. It has also been observed to segregate with disease in related individuals. ClinVar contains an entry for this variant (Variation ID: 4922). Invitae Evidence Modeling of protein sequence and biophysical properties (such as structural, functional, and spatial information, amino acid conservation, physicochemical variation, residue mobility, and thermodynamic stability) has been performed for this missense variant. However, the output from this modeling did not meet the statistical confidence thresholds required to predict the impact of this variant on CDH23 protein function. For these reasons, this variant has been classified as Pathogenic.

GeneDx
Classification: Pathogenic. Last evaluated: 2025-08-22. Review status: criteria provided, single submitter. Criteria: GeneDx Variant Classification Process June 2021. Collection method: clinical testing. Allele origin: germline. Affected: yes.
Comment: Identified with a second variant in additional patients with CDH23-related disorders in published literature, but it is not known whether the variants occurred on the same (in cis) or on different (in trans) chromosomes (PMID: 28000701, 27460420); In silico analysis supports that this missense variant has a deleterious effect on protein structure/function; This variant is associated with the following publications: (PMID: 12522556, 22652773, 33724713, 30531642, 21940737, 31816670, 15353998, 12075507, 27460420, 28000701, BuianovaA2024[Preprint])

CeGaT Center for Human Genetics Tuebingen
Classification: Pathogenic. Last evaluated: 2025-01-01. Review status: criteria provided, single submitter. Criteria: CeGaT Center For Human Genetics Tuebingen Variant Classification Criteria Version 2. Collection method: clinical testing. Allele origin: germline. Affected: yes. Observed: 2 variant alleles.
Comment: CDH23: PM3:Very Strong, PP1:Strong, PM2

Fulgent Genetics
Classification: Likely pathogenic for Usher syndrome type 1D; Autosomal recessive nonsyndromic hearing loss 12; Pituitary adenoma 5, multiple types. Last evaluated: 2024-04-04. Review status: criteria provided, single submitter. Criteria: ACMG Guidelines, 2015. Collection method: clinical testing. Allele origin: germline.

Baylor Genetics
Classification: Pathogenic for Pituitary adenoma 5, multiple types. Last evaluated: 2024-03-12. Review status: criteria provided, single submitter. Criteria: ACMG Guidelines, 2015. Collection method: clinical testing. Allele origin: unknown.

Pittsburgh Clinical Genomics Laboratory, University of Pittsburgh Medical Center
Classification: Pathogenic for Usher syndrome type 1D. Last evaluated: 2024-02-09. Review status: criteria provided, single submitter. Criteria: ACMG Guidelines, 2015. Collection method: clinical testing. Allele origin: germline. Inheritance: Autosomal unknown. Affected: yes.
Comment: This sequence variant is a single nucleotide substitution (G>A) at position 6442 of the coding sequence of the CDH23 gene that results in an aspartic acid to asparagine amino acid change at residue 2148 of the cadherin related 23 protein. This residue falls in the extracellular cadherin 20 domain of the protein (UniProt). This is a previously reported variant (ClinVar 4922) that has been observed in homozygous and compound heterozygous state in several individuals and families affected by hearing loss and/or Usher syndrome (PMID: 12522556, 28000701, 33724713, 12075507, 21940737, 27460420). This variant is present in 1454 of 1613806 alleles (0.008985%) in the gnomAD v4.0.0 population dataset. Multiple bioinformatic tools predict that this amino acid change would be damaging, and the Asp2148 residue at this position is highly conserved across the vertebrate species examined. Based upon the evidence, we consider this variant to be pathogenic. ACMG Criteria: PM2, PM3, PP1, PP3, PS4